The following is an entry in ClinVar:

NM_016599.5(MYOZ2):c.742A>G (p.Ile248Val)

Gene: MYOZ2 (myozenin 2; plus strand). Cytogenetic location: 4q26.
Variant type: single nucleotide variant.
Coding change: c.742A>G on transcript NM_016599.5 (MANE Select); coding-DNA position 742, A replaced by G.
Protein change: p.Ile248Val; replaces isoleucine 248 with valine.
Molecular consequence: missense variant. On other transcripts: 3 prime UTR variant (1).
Genome position (GRCh38, 1-based): chr4:119,186,147, A>G. VCF-style: chr4-119186147-A-G. GRCh37 (hg19) VCF-style: chr4-120107302-A-G.
Other names: c.*155A>G (NM_001440645.1); short protein forms I248V.
Identifiers: ClinVar variation 4614659 (VCV004614659.1).
Genomic context (GRCh38, chr4:119,186,147, plus strand): 5'-GGCAGACGGTCCTTTAATAGGACTCCTAAGGGATGGATATCTGAGAATATTCCTATAGTG[A>G]TAACAACCGAACCTACAGATGATACCACTGTACCAGAATCAGAAGACCTATGAAAAGAAA-3'
Protein context (NP_057683.1, residues 238-258): GWISENIPIV[Ile248Val]TTEPTDDTTV

ClinVar aggregate classification (germline): Uncertain significance (1 of 4 stars; one submission).

Conditions:
Cardiovascular phenotype. Identifiers: MedGen CN230736.

gnomAD v4.1: 1 of 1,614,022 alleles (0.000062%); no homozygotes.

Submission:

Ambry Genetics
Classification: Uncertain significance for Cardiovascular phenotype. Last evaluated: 2025-11-15. Review status: criteria provided, single submitter. Criteria: Ambry Variant Classification Scheme 2023. Collection method: clinical testing. Allele origin: germline.
Comment: The p.I248V variant (also known as c.742A>G), located in coding exon 5 of the MYOZ2 gene, results from an A to G substitution at nucleotide position 742. The isoleucine at codon 248 is replaced by valine, an amino acid with highly similar properties. This amino acid position is conserved. In addition, this alteration is predicted to be tolerated by in silico analysis. Based on the available evidence, the clinical significance of this variant remains unclear.